The following is an entry in ClinVar:

NM_000463.3(UGT1A1):c.950A>G (p.Lys317Arg)

Genes: UGT1A (UDP glucuronosyltransferase family 1 member A complex locus; plus strand), UGT1A1 (UDP glucuronosyltransferase family 1 member A1; plus strand), UGT1A10 (UDP glucuronosyltransferase family 1 member A10; plus strand), UGT1A3 (UDP glucuronosyltransferase family 1 member A3; plus strand), UGT1A4 (UDP glucuronosyltransferase family 1 member A4; plus strand) and 5 more. Cytogenetic location: 2q37.1.
Variant type: single nucleotide variant.
Coding change: c.950A>G on transcript NM_000463.3 (MANE Select); coding-DNA position 950, A replaced by G.
Protein change: p.Lys317Arg; replaces lysine 317 with arginine.
Molecular consequence: missense variant.
Genome position (GRCh38, 1-based): chr2:233,767,119, A>G. VCF-style: chr2-233767119-A-G. GRCh37 (hg19) VCF-style: chr2-234675765-A-G.
Other names: c.941A>G, p.Lys314Arg (NM_019075.4, NM_019076.5, NM_019077.3 and 1 more transcripts); c.947A>G, p.Lys316Arg (NM_001072.4); c.146A>G, p.Lys49Arg (NM_205862.3); c.953A>G, p.Lys318Arg (NM_019078.2, NM_007120.3, NM_019093.4); short protein forms K314R, K316R, K317R, K318R, K49R.
Identifiers: ClinVar variation 3347050 (VCV003347050.1).

ClinVar aggregate classification (germline): Uncertain significance (0 of 4 stars; one submission).

Conditions:
UGT1A1-related disorder. Also called: UGT1A1-related disorders; UGT1A1-related condition.

Submission:

PreventionGenetics, part of Exact Sciences
Classification: Uncertain significance for UGT1A1-related condition. Last evaluated: 2024-06-08. Review status: no assertion criteria provided. Collection method: clinical testing. Allele origin: germline.
Comment: The UGT1A1 c.950A>G variant is predicted to result in the amino acid substitution p.Lys317Arg. To our knowledge, this variant has not been reported in the literature or in a large population database, indicating this variant is rare. At this time, the clinical significance of this variant is uncertain due to the absence of conclusive functional and genetic evidence.